The following is an entry in ClinVar:

ClinVar aggregate classification (germline): Uncertain significance (1 of 4 stars; one submission).

Allele frequency attached by ClinVar (database versions not stated): gnomAD exomes 0.00001.
gnomAD v4.1: 12 of 1,614,166 alleles (0.00074%); highest among the groups gnomAD compares: Non-Finnish European, 0.001%; no homozygotes.

Submission:

Labcorp Genetics (formerly Invitae), Labcorp
Classification: Uncertain significance. Last evaluated: 2022-05-27. Review status: criteria provided, single submitter. Criteria: Invitae Variant Classification Sherloc (09022015). Collection method: clinical testing. Allele origin: germline.
Comment: This variant is present in population databases (no rsID available, gnomAD 0.0009%). This sequence change replaces tyrosine, which is neutral and polar, with cysteine, which is neutral and slightly polar, at codon 969 of the MYO5B protein (p.Tyr969Cys). In summary, the available evidence is currently insufficient to determine the role of this variant in disease. Therefore, it has been classified as a Variant of Uncertain Significance. Algorithms developed to predict the effect of missense changes on protein structure and function are either unavailable or do not agree on the potential impact of this missense change (SIFT: "Deleterious"; PolyPhen-2: "Possibly Damaging"; Align-GVGD: "Class C0"). This variant has not been reported in the literature in individuals affected with MYO5B-related conditions.

NM_001080467.3(MYO5B):c.2906A>G (p.Tyr969Cys)

Gene: MYO5B (myosin VB; minus strand). Cytogenetic location: 18q21.1.
Variant type: single nucleotide variant.
Coding change: c.2906A>G on transcript NM_001080467.3 (MANE Select); coding-DNA position 2906, A replaced by G.
Protein change: p.Tyr969Cys; replaces tyrosine 969 with cysteine.
Molecular consequence: missense variant.
Genome position (GRCh38, 1-based): chr18:49,895,080, T>C on the plus strand (A>G on the coding strand, the complement: MYO5B is on the minus strand). VCF-style: chr18-49895080-T-C. GRCh37 (hg19) VCF-style: chr18-47421450-T-C.
Other names: short protein forms Y969C.
Identifiers: ClinVar variation 1999413 (VCV001999413.4), dbSNP rs1258105320, ClinGen allele CA402429896.